The following is an entry in ClinVar:

ClinVar aggregate classification (germline): Uncertain significance (1 of 4 stars; one submission).

Allele frequency attached by ClinVar (database versions not stated): gnomAD exomes below 0.00001; TOPMed below 0.00001.

Submission:

Labcorp Genetics (formerly Invitae), Labcorp
Classification: Uncertain significance. Last evaluated: 2022-01-11. Review status: criteria provided, single submitter. Criteria: Invitae Variant Classification Sherloc (09022015). Collection method: clinical testing. Allele origin: germline.
Comment: In summary, the available evidence is currently insufficient to determine the role of this variant in disease. Therefore, it has been classified as a Variant of Uncertain Significance. Advanced modeling of protein sequence and biophysical properties (such as structural, functional, and spatial information, amino acid conservation, physicochemical variation, residue mobility, and thermodynamic stability) performed at Invitae indicates that this missense variant is not expected to disrupt MYO7A protein function. This variant has not been reported in the literature in individuals affected with MYO7A-related conditions. This variant is not present in population databases (gnomAD no frequency). This sequence change replaces glycine, which is neutral and non-polar, with serine, which is neutral and polar, at codon 1094 of the MYO7A protein (p.Gly1094Ser).

NM_000260.4(MYO7A):c.3280G>A (p.Gly1094Ser)

Gene: MYO7A (myosin VIIA; plus strand). Cytogenetic location: 11q13.5.
Variant type: single nucleotide variant.
Coding change: c.3280G>A on transcript NM_000260.4 (MANE Select); coding-DNA position 3280, G replaced by A.
Protein change: p.Gly1094Ser; replaces glycine 1094 with serine.
Molecular consequence: missense variant.
Genome position (GRCh38, 1-based): chr11:77,182,595, G>A. VCF-style: chr11-77182595-G-A. GRCh37 (hg19) VCF-style: chr11-76893640-G-A.
Other names: c.3280G>A, p.Gly1094Ser (NM_001127180.2); c.3247G>A, p.Gly1083Ser (NM_001369365.1); short protein forms G1094S, G1083S.
Identifiers: ClinVar variation 1474277 (VCV001474277.8), dbSNP rs1955335148, ClinGen allele CA381945175.
Genomic context (GRCh38, chr11:77,182,595, plus strand): 5'-ATTTATGAGACCCTGGGCAAGAAGACGTACAAGAGGGAGCTGCAGGCCCTGCAGGGCGAG[G>A]GCGAGGTGAGGCCAAGGTGCCCTCTGGATGATGTCCCTCCCAGGCCGACAAGGAGGGCCG-3'
Protein context (NP_000251.3, residues 1084-1104): KRELQALQGE[Gly1094Ser]EAQLPEGQKK